The following is an entry in ClinVar:

NM_004260.4(RECQL4):c.3364G>A (p.Ala1122Thr)

Gene: RECQL4 (RecQ like helicase 4; minus strand). Cytogenetic location: 8q24.3.
Variant type: single nucleotide variant.
Coding change: c.3364G>A on transcript NM_004260.4 (MANE Select); coding-DNA position 3364, G replaced by A.
Protein change: p.Ala1122Thr; replaces alanine 1122 with threonine.
Molecular consequence: missense variant.
Genome position (GRCh38, 1-based): chr8:144,511,940, C>T on the plus strand (G>A on the coding strand, the complement: RECQL4 is on the minus strand). VCF-style: chr8-144511940-C-T. GRCh37 (hg19) VCF-style: chr8-145737323-C-T.
Other names: short protein forms A1122T.
Identifiers: ClinVar variation 529006 (VCV000529006.9), dbSNP rs369843844, ClinGen allele CA4947800.
Genomic context (GRCh38, chr8:144,511,940, plus strand): 5'-CCGATGAGCTGCCTGGCCTTACTGCACTCACTCTGGCCTGCCCTGGCTCGGGGCCCTGTG[C>T]GTCCTCCATGCCTCCCGGCTCCTGCCCTTCCTCTTCCTCAAAGTAGCGGCCGAGCAGGTC-3'
Protein context (NP_004251.4, residues 1112-1132): EGQEPGGMED[Ala1122Thr]QGPEPGQARL

ClinVar aggregate classification (germline): Conflicting classifications of pathogenicity. Review status: criteria provided, conflicting classifications (1 of 4 stars). 2 submissions from 2 submitters: Uncertain significance (1); Likely benign (1). Last evaluated 2025-07-21.

Conditions:
Baller-Gerold syndrome (BGS). Also called: CRANIOSYNOSTOSIS WITH RADIAL DEFECTS. Identifiers: Orphanet 1225, MedGen C0265308, MONDO:0009039, OMIM 218600.

Allele frequency attached by ClinVar (database versions not stated): gnomAD 0.00001; gnomAD exomes 0.00001 and 0.00004; TOPMed 0.00002; ExAC 0.00003; ESP Exome Variant Server 0.00008.

Submissions (2):

Labcorp Genetics (formerly Invitae), Labcorp
Classification: Uncertain significance for Baller-Gerold syndrome. Last evaluated: 2025-07-21. Review status: criteria provided, single submitter. Criteria: Invitae Variant Classification Sherloc (09022015). Collection method: clinical testing. Allele origin: germline.
Comment: This sequence change replaces alanine, which is neutral and non-polar, with threonine, which is neutral and polar, at codon 1122 of the RECQL4 protein (p.Ala1122Thr). This variant is present in population databases (rs369843844, gnomAD 0.05%). This variant has not been reported in the literature in individuals affected with RECQL4-related conditions. ClinVar contains an entry for this variant (Variation ID: 529006). An algorithm developed to predict the effect of missense changes on protein structure and function outputs the following: PolyPhen-2: "Not Available". The threonine amino acid residue is found in multiple mammalian species, which suggests that this missense change does not adversely affect protein function. In summary, the available evidence is currently insufficient to determine the role of this variant in disease. Therefore, it has been classified as a Variant of Uncertain Significance.

Blueprint Genetics
Classification: Likely benign. Last evaluated: 2022-11-18. Review status: criteria provided, single submitter. Criteria: ACMG Guidelines, 2015. Collection method: clinical testing. Allele origin: germline.